The following is an entry in ClinVar:

NM_001242896.3(DEPDC5):c.3641_3644del (p.Trp1213_Leu1214insTer)

Gene: DEPDC5 (DEP domain containing 5, GATOR1 subcomplex subunit; plus strand). Cytogenetic location: 22q12.3.
Variant type: Microsatellite.
Coding change: c.3641_3644del on transcript NM_001242896.3 (MANE Select); coding-DNA positions 3641 to 3644, 4 bases deleted (TGGT; older notation c.3641_3644delTGGT).
Protein change: p.Trp1213_Leu1214insTer.
Molecular consequence: nonsense. On other transcripts: non-coding transcript variant (4).
Genome position (GRCh38, 1-based): chr22:31,874,350-31,874,353, TGGT deleted; deleting any 4 consecutive bases within chr22:31,874,346-31,874,353 gives the same sequence; the c. name uses the placement nearest the transcript's 3' end. VCF-style (leftmost placement, unchanged base first): chr22-31874345-CTGGT-C. GRCh37 (hg19) VCF-style: chr22-32270331-CTGGT-C.
Other names: c.3548_3551del, p.Trp1182_Leu1183insTer (NM_001369903.1, NM_014662.6); c.3614_3617del, p.Trp1204_Leu1205insTer (NM_001136029.4); c.3341_3344del, p.Trp1113_Leu1114insTer (NM_001242897.2); c.3575_3578del, p.Trp1191_Leu1192insTer (NM_001363852.2, NM_001364320.2); c.3407_3410del, p.Trp1135_Leu1136insTer (NM_001363854.2, NM_001364319.2); c.3641_3644del, p.Trp1213_Leu1214insTer (NM_001364318.2); c.3557_3560del, p.Trp1185_Leu1186insTer (NM_001369901.1, NM_001369902.1).
Identifiers: ClinVar variation 3664867 (VCV003664867.2).

ClinVar aggregate classification (germline): Pathogenic (1 of 4 stars; one submission).

Conditions:
Familial focal epilepsy with variable foci (FPEVF). Identifiers: Orphanet 98820, MedGen C1858477, MONDO:0020310.

Submission:

Labcorp Genetics (formerly Invitae), Labcorp
Classification: Pathogenic for Familial focal epilepsy with variable foci. Last evaluated: 2024-09-06. Review status: criteria provided, single submitter. Criteria: Invitae Variant Classification Sherloc (09022015). Collection method: clinical testing. Allele origin: germline.
Comment: This sequence change creates a premature translational stop signal (p.Leu1214*) in the DEPDC5 gene. It is expected to result in an absent or disrupted protein product. Loss-of-function variants in DEPDC5 are known to be pathogenic (PMID: 23542697, 23542701). This variant is not present in population databases (gnomAD no frequency). This variant has not been reported in the literature in individuals affected with DEPDC5-related conditions. Algorithms developed to predict the effect of sequence changes on RNA splicing suggest that this variant may disrupt the consensus splice site. For these reasons, this variant has been classified as Pathogenic.

Literature cited by the submitters: PubMed 23542697; PubMed 23542701.